The following is an entry in ClinVar:

NM_000057.4(BLM):c.1688A>G (p.Asp563Gly)

Gene: BLM (BLM RecQ like helicase; plus strand). Cytogenetic location: 15q26.1.
Variant type: single nucleotide variant.
Coding change: c.1688A>G on transcript NM_000057.4 (MANE Select); coding-DNA position 1688, A replaced by G.
Protein change: p.Asp563Gly; replaces aspartic acid 563 with glycine.
Molecular consequence: missense variant.
Genome position (GRCh38, 1-based): chr15:90,761,061, A>G. VCF-style: chr15-90761061-A-G. GRCh37 (hg19) VCF-style: chr15-91304291-A-G.
Other names: c.1688A>G, p.Asp563Gly (NM_001287246.2, NM_001287247.2); c.563A>G, p.Asp188Gly (NM_001287248.2); short protein forms D188G, D563G.
Identifiers: ClinVar variation 4622038 (VCV004622038.1).

ClinVar aggregate classification (germline): Uncertain significance (1 of 4 stars; one submission).

Conditions:
Hereditary cancer-predisposing syndrome. Also called: Neoplastic Syndromes, Hereditary; Tumor predisposition; Hereditary Cancer Syndrome; Hereditary neoplastic syndrome. Identifiers: Orphanet 140162, MedGen C0027672, MeSH D009386, MONDO:0015356.

Submission:

Ambry Genetics
Classification: Uncertain significance for Hereditary cancer-predisposing syndrome. Last evaluated: 2025-11-24. Review status: criteria provided, single submitter. Criteria: Ambry Variant Classification Scheme 2023. Collection method: clinical testing. Allele origin: germline.
Comment: The p.D563G variant (also known as c.1688A>G), located in coding exon 6 of the BLM gene, results from an A to G substitution at nucleotide position 1688. The aspartic acid at codon 563 is replaced by glycine, an amino acid with similar properties. This amino acid position is conserved. In addition, this alteration is predicted to be tolerated by in silico analysis. Based on the available evidence, the clinical significance of this variant remains unclear.